The following is an entry in ClinVar:

NC_000009.11:g.(?_140637803)_(141016451_?)dup

Genes: CACNA1B (calcium voltage-gated channel subunit alpha1 B; plus strand), EHMT1 (euchromatic histone lysine methyltransferase 1; plus strand), LOC651337 (uncharacterized LOC651337; minus strand). Cytogenetic location: 9q34.3.
Variant type: Duplication.
Identifiers: ClinVar variation 2426885 (VCV002426885.5).

ClinVar aggregate classification (germline): Uncertain significance (1 of 4 stars; one submission).

Conditions:
Kleefstra syndrome 1 (KLEFS1). Identifiers: Orphanet 261494, MedGen C0795833, MONDO:0027407, OMIM 610253.

Submission:

Labcorp Genetics (formerly Invitae), Labcorp
Classification: Uncertain significance for Kleefstra syndrome 1. Last evaluated: 2022-01-11. Review status: criteria provided, single submitter. Criteria: Invitae Variant Classification Sherloc (09022015). Collection method: clinical testing. Allele origin: germline.
Comment: In summary, the available evidence is currently insufficient to determine the role of this variant in disease. Therefore, it has been classified as a Variant of Uncertain Significance. Experimental studies and prediction algorithms are not available or were not evaluated, and the functional significance of this variant is currently unknown. This variant has not been reported in the literature in individuals affected with EHMT1-related conditions. This variant results in a copy number gain of the genomic region encompassing exon(s) 5-27 of the EHMT1 gene. This region includes the termination codon of the gene. This copy number gain extends beyond the assayed region for this gene and therefore may encompass additional genes. As the precise location of this event is unknown, it may be in tandem or it may be located elsewhere in the genome.